The following is an entry in ClinVar:

NM_004859.4(CLTC):c.1029A>G (p.Gln343=)

Gene: CLTC (clathrin heavy chain; plus strand). Cytogenetic location: 17q23.1.
Variant type: single nucleotide variant.
Coding change: c.1029A>G on transcript NM_004859.4 (MANE Select); coding-DNA position 1029, A replaced by G.
Protein change: p.Gln343=; no amino-acid change (glutamine 343 retained).
Molecular consequence: synonymous variant.
Genome position (GRCh38, 1-based): chr17:59,660,450, A>G. VCF-style: chr17-59660450-A-G. GRCh37 (hg19) VCF-style: chr17-57737811-A-G.
Other names: c.1041A>G, p.Gln347= (NM_001288653.2); c.1041A>G (NM_001288653.1).
Identifiers: ClinVar variation 1601782 (VCV001601782.11), dbSNP rs146333268, ClinGen allele CA8681155.

ClinVar aggregate classification (germline): Benign. Review status: criteria provided, single submitter (1 of 4 stars). 2 submissions from 2 submitters: Benign (1). 1 of the submissions does not count toward it. Last evaluated 2025-12-13.

Conditions:
CLTC-related disorder. Also called: CLTC-related condition.

Allele frequency attached by ClinVar (database versions not stated): gnomAD exomes 0.00004; ExAC 0.00006; 1000 Genomes Project 0.00020; ESP Exome Variant Server 0.00023; TOPMed 0.00026; 1000 Genomes Project 30x 0.00031; gnomAD 0.00033 and 0.00035.
gnomAD v4.1: 109 of 1,614,160 alleles (0.0068%); highest among the groups gnomAD compares: African/African-American, 0.11%; no homozygotes.

Submissions (2):

Labcorp Genetics (formerly Invitae), Labcorp
Classification: Benign. Last evaluated: 2025-12-13. Review status: criteria provided, single submitter. Criteria: Invitae Variant Classification Sherloc (09022015). Collection method: clinical testing. Allele origin: germline.

PreventionGenetics, part of Exact Sciences
Classification: Likely benign for CLTC-related condition. Last evaluated: 2021-04-02. Review status: no assertion criteria provided. Collection method: clinical testing. Allele origin: germline. Not counted in ClinVar's aggregate classification.
Comment: This variant is classified as likely benign based on ACMG/AMP sequence variant interpretation guidelines (Richards et al. 2015 PMID: 25741868, with internal and published modifications).